The following is an entry in ClinVar:

NM_003680.4(YARS1):c.1141-9C>G

Gene: YARS1 (tyrosyl-tRNA synthetase 1; minus strand). Cytogenetic location: 1p35.1.
Variant type: single nucleotide variant.
Coding change: c.1141-9C>G on transcript NM_003680.4 (MANE Select); 9 bases into the intron before coding-DNA position 1141, C replaced by G.
Molecular consequence: intron variant.
Genome position (GRCh38, 1-based): chr1:32,780,287, G>C on the plus strand (C>G on the coding strand, the complement: YARS1 is on the minus strand). VCF-style: chr1-32780287-G-C. GRCh37 (hg19) VCF-style: chr1-33245888-G-C.
Identifiers: ClinVar variation 297152 (VCV000297152.14), dbSNP rs761211081, ClinGen allele CA744965.

ClinVar aggregate classification (germline): Benign/Likely benign. Review status: criteria provided, multiple submitters, no conflicts (2 of 4 stars). 2 submissions from 2 submitters: Benign (1); Likely benign (1). Last evaluated 2024-03-28.

Conditions:
Charcot-Marie-Tooth disease dominant intermediate C (CMTDIC). Also called: CHARCOT-MARIE-TOOTH NEUROPATHY, DOMINANT INTERMEDIATE C. Identifiers: Orphanet 100045, MedGen C1842237, MONDO:0012012, OMIM 608323.

Allele frequency attached by ClinVar (database versions not stated): gnomAD exomes below 0.00001 and 0.00001; ExAC 0.00002; gnomAD 0.00002; TOPMed 0.00003.
gnomAD v4.1: 20 of 1,613,840 alleles (0.0012%); highest among the groups gnomAD compares: East Asian, 0.0089%; no homozygotes.

Submissions (2):

Labcorp Genetics (formerly Invitae), Labcorp
Classification: Likely benign for Charcot-Marie-Tooth disease dominant intermediate C. Last evaluated: 2024-03-28. Review status: criteria provided, single submitter. Criteria: Invitae Variant Classification Sherloc (09022015). Collection method: clinical testing. Allele origin: germline.

Illumina Laboratory Services, Illumina
Classification: Benign for Charcot-Marie-Tooth disease dominant intermediate C. Last evaluated: 2018-01-13. Review status: criteria provided, single submitter. Criteria: ICSL Variant Classification Criteria 13 December 2019. Collection method: clinical testing. Allele origin: germline.
Comment: This variant was observed in the ICSL laboratory as part of a predisposition screen in an ostensibly healthy population. It had not been previously curated by ICSL or reported in the Human Gene Mutation Database (HGMD: prior to June 1st, 2018), and was therefore a candidate for classification through an automated scoring system. Utilizing variant allele frequency, disease prevalence and penetrance estimates, and inheritance mode, an automated score was calculated to assess if this variant is too frequent to cause the disease. Based on the score and internal cut-off values, a variant classified as benign is not then subjected to further curation. The score for this variant resulted in a classification of benign for this disease.